The following is an entry in ClinVar:

ClinVar aggregate classification (germline): Likely benign. Review status: criteria provided, multiple submitters, no conflicts (2 of 4 stars). 2 submissions from 2 submitters: Likely benign (2). Last evaluated 2026-07-01.

gnomAD v4.1: 347 of 1,471,148 alleles (0.024%); highest among the groups gnomAD compares: Admixed American, 0.072%; 1 homozygote.

Submissions (2):

CeGaT Center for Human Genetics Tuebingen
Classification: Likely benign. Last evaluated: 2026-07-01. Review status: criteria provided, single submitter. Criteria: CeGaT Center For Human Genetics Tuebingen Variant Classification Criteria Version 2. Collection method: clinical testing. Allele origin: germline. Affected: yes. Observed: 1 variant allele.
Comment: ZFHX2: BP4, BP7

Blueprint Genetics
Classification: Likely benign. Last evaluated: 2024-11-01. Review status: criteria provided, single submitter. Criteria: ACMG Guidelines, 2015. Collection method: clinical testing. Allele origin: germline.

NM_033400.3(ZFHX2):c.6780G>A (p.Ser2260=)

Genes: THTPA (thiamine triphosphatase; plus strand), ZFHX2 (zinc finger homeobox 2; minus strand). Cytogenetic location: 14q11.2.
Variant type: single nucleotide variant.
Coding change: c.6780G>A on transcript NM_033400.3 (MANE Select); coding-DNA position 6780, G replaced by A.
Protein change: p.Ser2260=; no amino-acid change (serine 2260 retained).
Molecular consequence: synonymous variant.
Genome position (GRCh38, 1-based): chr14:23,522,901, C>T on the plus strand (G>A on the coding strand, the complement: ZFHX2 is on the minus strand). VCF-style: chr14-23522901-C-T. GRCh37 (hg19) VCF-style: chr14-23992110-C-T.
Identifiers: ClinVar variation 4921282 (VCV004921282.2).